The following is an entry in ClinVar:

NM_183357.3(ADCY5):c.1251_1252delinsAA (p.Ala417_Arg418=)

Gene: ADCY5 (adenylate cyclase 5; minus strand). Cytogenetic location: 3q21.1.
Variant type: Indel.
Coding change: c.1251_1252delinsAA on transcript NM_183357.3 (MANE Select); coding-DNA positions 1251 to 1252, GC replaced by AA.
Protein change: p.Ala417_Arg418=.
Molecular consequence: synonymous variant.
Genome position (GRCh38, 1-based): chr3:123,352,464-123,352,465, GC replaced by TT on the plus strand (GC replaced by AA on the coding strand, the reverse complement: ADCY5 is on the minus strand). VCF-style: chr3-123352464-GC-TT. GRCh37 (hg19) VCF-style: chr3-123071311-GC-TT.
Other names: c.201_202delinsAA, p.Ala67_Arg68= (NM_001199642.1); c.1251_1252delinsAA, p.Ala417_Arg418= (NM_001378259.1).
Identifiers: ClinVar variation 3632734 (VCV003632734.2).

ClinVar aggregate classification (germline): Uncertain significance (1 of 4 stars; one submission).

Submission:

Labcorp Genetics (formerly Invitae), Labcorp
Classification: Uncertain significance. Last evaluated: 2024-01-22. Review status: criteria provided, single submitter. Criteria: Invitae Variant Classification Sherloc (09022015). Collection method: clinical testing. Allele origin: germline.
Comment: This sequence change affects codon 417 of the ADCY5 mRNA. It is a 'silent' change, meaning that it does not change the encoded amino acid sequence of the ADCY5 protein. Information on the frequency of this variant in the gnomAD database is not available, as this variant may be reported differently in the database. This variant has not been reported in the literature in individuals affected with ADCY5-related conditions. Experimental studies and prediction algorithms are not available or were not evaluated, and the functional significance of this variant is currently unknown. In summary, the available evidence is currently insufficient to determine the role of this variant in disease. Therefore, it has been classified as a Variant of Uncertain Significance.